The following is an entry in ClinVar:

ClinVar aggregate classification (germline): Benign. Review status: criteria provided, single submitter (1 of 4 stars). 2 submissions from 1 submitter: Benign (2). Last evaluated 2018-01-12.

Conditions:
Severe early-childhood-onset retinal dystrophy (STGD1). Also called: STGD; Stargardt macular dystrophy; Juvenile onset macular degeneration; Stargardt disease 1; MACULAR DYSTROPHY WITH FLECKS, TYPE 1. Identifiers: Orphanet 364055, Orphanet 827, MedGen C1855465, MeSH D000080362, MONDO:0009549, OMIM 248200.
Achromatopsia 3 (ACHM3). Also called: PINGELAPESE BLINDNESS; TOTAL COLORBLINDNESS WITH MYOPIA; ROD MONOCHROMACY 1; ROD MONOCHROMATISM 1; ACHROMATOPSIA WITH MYOPIA. Identifiers: Orphanet 49382, MedGen C1849792, MONDO:0009875, OMIM 262300.

Allele frequency attached by ClinVar (database versions not stated): gnomAD 0.01797 and 0.01929; 1000 Genomes Project 0.01977; gnomAD exomes 0.00154; TOPMed 0.02056; 1000 Genomes Project 30x 0.02217.
gnomAD v4.1: 2,739 of 168,848 alleles (1.6%); highest among the groups gnomAD compares: African/African-American, 6.2%; 74 homozygotes.

Submissions (2):

Illumina Laboratory Services, Illumina
Classification: Benign for Achromatopsia 3. Last evaluated: 2018-01-12. Review status: criteria provided, single submitter. Criteria: ICSL Variant Classification Criteria 13 December 2019. Collection method: clinical testing. Allele origin: germline.
Comment: This variant was observed in the ICSL laboratory as part of a predisposition screen in an ostensibly healthy population. It had not been previously curated by ICSL or reported in the Human Gene Mutation Database (HGMD: prior to June 1st, 2018), and was therefore a candidate for classification through an automated scoring system. Utilizing variant allele frequency, disease prevalence and penetrance estimates, and inheritance mode, an automated score was calculated to assess if this variant is too frequent to cause the disease. Based on the score and internal cut-off values, a variant classified as benign is not then subjected to further curation. The score for this variant resulted in a classification of benign for this disease.

Illumina Laboratory Services, Illumina
Classification: Benign for Severe early-childhood-onset retinal dystrophy. Last evaluated: 2018-01-12. Review status: criteria provided, single submitter. Criteria: ICSL Variant Classification Criteria 13 December 2019. Collection method: clinical testing. Allele origin: germline.
Comment: the same text as in the submission from Illumina Laboratory Services, Illumina above.

NM_019098.5(CNGB3):c.*389A>C

Gene: CNGB3 (cyclic nucleotide gated channel subunit beta 3; minus strand). Cytogenetic location: 8q21.3.
Variant type: single nucleotide variant.
Coding change: c.*389A>C on transcript NM_019098.5 (MANE Select); 389 bases downstream of the stop codon, A replaced by C.
Molecular consequence: 3 prime UTR variant.
Genome position (GRCh38, 1-based): chr8:86,575,415, T>G on the plus strand (A>C on the coding strand, the complement: CNGB3 is on the minus strand). VCF-style: chr8-86575415-T-G. GRCh37 (hg19) VCF-style: chr8-87587643-T-G.
Identifiers: ClinVar variation 363859 (VCV000363859.5), dbSNP rs16915861, ClinGen allele CA10628357.